The following is an entry in ClinVar:

ClinVar aggregate classification (germline): Benign (1 of 4 stars; one submission).

Submission:

GeneDx
Classification: Benign. Last evaluated: 2018-06-19. Review status: criteria provided, single submitter. Criteria: GeneDx Variant Classification (06012015). Collection method: clinical testing. Allele origin: germline. Affected: yes.
Comment: This variant is considered likely benign or benign based on one or more of the following criteria: it is a conservative change, it occurs at a poorly conserved position in the protein, it is predicted to be benign by multiple in silico algorithms, and/or has population frequency not consistent with disease.

NM_003073.5(SMARCB1):c.93+99_93+127del

Gene: SMARCB1 (SWI/SNF related, matrix associated, actin dependent regulator of chromatin, subfamily b, member 1; plus strand). Cytogenetic location: 22q11.23.
Variant type: Deletion.
Coding change: c.93+99_93+127del on transcript NM_003073.5 (MANE Select); bases 99 to 127 of the intron after coding-DNA position 93, 29 bases deleted (GGGCGGGCGCGCGCGCGCGCGCTCGGGGC).
Molecular consequence: intron variant.
Genome position (GRCh38, 1-based): chr22:23,787,361-23,787,389, GGGCGGGCGCGCGCGCGCGCGCTCGGGGC deleted; deleting any 29 consecutive bases within chr22:23,787,354-23,787,389 gives the same sequence; the c. name uses the placement nearest the transcript's 3' end. VCF-style (leftmost placement, unchanged base first): chr22-23787353-ATCGGGGCGGGCGGGCGCGCGCGCGCGCGC-A. GRCh37 (hg19) VCF-style: chr22-24129540-ATCGGGGCGGGCGGGCGCGCGCGCGCGCGC-A.
Other names: c.93+99_93+127del (NM_001362877.2, NM_001317946.2, NM_001007468.3).
Identifiers: ClinVar variation 674548 (VCV000674548.1), dbSNP rs200930637, ClinGen allele CA322592616.